The following is an entry in ClinVar:

NM_000051.4(ATM):c.3116G>A (p.Arg1039Lys)

Gene: ATM (ATM serine/threonine kinase; plus strand). Cytogenetic location: 11q22.3.
Variant type: single nucleotide variant.
Coding change: c.3116G>A on transcript NM_000051.4 (MANE Select); coding-DNA position 3116, G replaced by A.
Protein change: p.Arg1039Lys; replaces arginine 1039 with lysine.
Molecular consequence: missense variant.
Genome position (GRCh38, 1-based): chr11:108,272,570, G>A. VCF-style: chr11-108272570-G-A. GRCh37 (hg19) VCF-style: chr11-108143297-G-A.
Other names: c.3116G>A, p.Arg1039Lys (NM_001351834.2); short protein forms R1039K.
Identifiers: ClinVar variation 1727805 (VCV001727805.2), dbSNP rs2135565943, ClinGen allele CA382515186.

ClinVar aggregate classification (germline): Uncertain significance (1 of 4 stars; one submission).

Conditions:
Hereditary cancer-predisposing syndrome. Also called: Tumor predisposition; Neoplastic Syndromes, Hereditary; Hereditary Cancer Syndrome; Hereditary neoplastic syndrome. Identifiers: Orphanet 140162, MedGen C0027672, MeSH D009386, MONDO:0015356.

Submission:

Ambry Genetics
Classification: Uncertain significance for Hereditary cancer-predisposing syndrome. Last evaluated: 2020-01-02. Review status: criteria provided, single submitter. Criteria: Ambry Variant Classification Scheme 2023. Collection method: clinical testing. Allele origin: germline.
Comment: The p.R1039K variant (also known as c.3116G>A), located in coding exon 20 of the ATM gene, results from a G to A substitution at nucleotide position 3116. The arginine at codon 1039 is replaced by lysine, an amino acid with highly similar properties. This amino acid position is highly conserved in available vertebrate species. In addition, this alteration is predicted to be tolerated by in silico analysis. Since supporting evidence is limited at this time, the clinical significance of this alteration remains unclear.